The following is an entry in ClinVar:

ClinVar aggregate classification (germline): Uncertain significance (1 of 4 stars; one submission).

Conditions:
Cardiovascular phenotype. Identifiers: MedGen CN230736.

Submission:

Ambry Genetics
Classification: Uncertain significance for Cardiovascular phenotype. Last evaluated: 2023-09-14. Review status: criteria provided, single submitter. Criteria: Ambry Variant Classification Scheme 2023. Collection method: clinical testing. Allele origin: germline.
Comment: The p.V595L variant (also known as c.1783G>C), located in coding exon 5 of the ALPK3 gene, results from a G to C substitution at nucleotide position 1783. The valine at codon 595 is replaced by leucine, an amino acid with highly similar properties. This amino acid position is poorly conserved in available vertebrate species. In addition, this alteration is predicted to be tolerated by in silico analysis. Since supporting evidence is limited at this time, the clinical significance of this alteration remains unclear.

NM_020778.5(ALPK3):c.1177G>C (p.Val393Leu)

Gene: ALPK3 (alpha kinase 3; plus strand). Cytogenetic location: 15q25.3.
Variant type: single nucleotide variant.
Coding change: c.1177G>C on transcript NM_020778.5 (MANE Select); coding-DNA position 1177, G replaced by C.
Protein change: p.Val393Leu; replaces valine 393 with leucine.
Molecular consequence: missense variant.
Genome position (GRCh38, 1-based): chr15:84,840,456, G>C. VCF-style: chr15-84840456-G-C. GRCh37 (hg19) VCF-style: chr15-85383687-G-C.
Other names: short protein forms V393L.
Identifiers: ClinVar variation 2625928 (VCV002625928.2), dbSNP rs2505706169, ClinGen allele CA393374692.